The following is an entry in ClinVar:

NM_000789.4(ACE):c.2T>G (p.Met1Arg)

Gene: ACE (angiotensin I converting enzyme; plus strand). Cytogenetic location: 17q23.3.
Variant type: single nucleotide variant.
Coding change: c.2T>G on transcript NM_000789.4 (MANE Select); coding-DNA position 2, T replaced by G.
Protein change: p.Met1Arg; changes the start codon (methionine 1).
Molecular consequence: missense variant, initiator codon variant. On other transcripts: 5 prime UTR variant (2).
Genome position (GRCh38, 1-based): chr17:63,477,096, T>G. VCF-style: chr17-63477096-T-G. GRCh37 (hg19) VCF-style: chr17-61554457-T-G.
Other names: c.-234T>G (NM_001382700.1); c.-613T>G (NM_001382701.1); short protein forms M1R.
Identifiers: ClinVar variation 2627528 (VCV002627528.1), dbSNP rs1005792910, ClinGen allele CA400538168.

ClinVar aggregate classification (germline): Uncertain significance (1 of 4 stars; one submission).

Conditions:
Renal tubular dysgenesis of genetic origin. Also called: PRIMITIVE RENAL TUBULE SYNDROME. Identifiers: Orphanet 97369, MedGen C5681536, MONDO:0009970, OMIM 267430.

Submission:

Neuberg Centre For Genomic Medicine, NCGM
Classification: Uncertain significance for Renal tubular dysgenesis of genetic origin. Review status: criteria provided, single submitter. Criteria: ACMG Guidelines, 2015. Collection method: clinical testing. Allele origin: germline. Inheritance: Autosomal recessive inheritance. Affected: yes.
Comment: The initiator codon variant p.M1R in ACE (NM_000789.4) has not been reported previously as a pathogenic variant nor as a benign variant, to our knowledge. The p.M1R variant is novel (not in any individuals) in gnomAD Exomes and is novel (not in any individuals) in 1000 Genomes. The variant affects the initiation codon gene but is at 5' UTR position in alternate functional transcripts.Hence PVS1 criteria is not applicable in this scenario. For these reasons, this variant has been classified as Uncertain Significance.